The following is an entry in ClinVar:

NM_003482.4(KMT2D):c.10281C>G (p.Ala3427=)

Gene: KMT2D (lysine methyltransferase 2D; minus strand). Cytogenetic location: 12q13.12.
Variant type: single nucleotide variant.
Coding change: c.10281C>G on transcript NM_003482.4 (MANE Select); coding-DNA position 10281, C replaced by G.
Protein change: p.Ala3427=; no amino-acid change (alanine 3427 retained).
Molecular consequence: synonymous variant.
Genome position (GRCh38, 1-based): chr12:49,034,886, G>C on the plus strand (C>G on the coding strand, the complement: KMT2D is on the minus strand). VCF-style: chr12-49034886-G-C. GRCh37 (hg19) VCF-style: chr12-49428669-G-C.
Other names: c.10281C>G (NM_003482.3).
Identifiers: ClinVar variation 1099475 (VCV001099475.14), dbSNP rs143953984, ClinGen allele CA6546555.

ClinVar aggregate classification (germline): Likely benign. Review status: criteria provided, multiple submitters, no conflicts (2 of 4 stars). 3 submissions from 3 submitters: Likely benign (3). Last evaluated 2026-09-14.

Conditions:
Kabuki syndrome. Also called: Kabuki make-up syndrome; NIIKAWA-KUROKI SYNDROME. Identifiers: Orphanet 2322, MedGen C0796004, MONDO:0016512.
KMT2D-related disorder. Also called: KMT2D-Related Disorders.

Allele frequency attached by ClinVar (database versions not stated): 1000 Genomes Project 30x 0.00016; 1000 Genomes Project 0.00020.
gnomAD v4.1: 5 of 1,613,958 alleles (0.00031%); highest among the groups gnomAD compares: African/African-American, 0.0067%; no homozygotes.

Submissions (3):

PreventionGenetics, part of Exact Sciences
Classification: Likely benign for KMT2D-related condition. Last evaluated: 2026-09-14. Review status: criteria provided, single submitter. Criteria: ACMG Guidelines, 2015. Collection method: clinical testing. Allele origin: germline.
Comment: This variant is classified as likely benign based on ACMG/AMP sequence variant interpretation guidelines (Richards et al. 2015 PMID: 25741868, with internal and published modifications).

CeGaT Center for Human Genetics Tuebingen
Classification: Likely benign. Last evaluated: 2026-01-01. Review status: criteria provided, single submitter. Criteria: CeGaT Center For Human Genetics Tuebingen Variant Classification Criteria Version 2. Collection method: clinical testing. Allele origin: germline. Affected: yes. Observed: 1 variant allele.
Comment: KMT2D: BP4, BP7

Labcorp Genetics (formerly Invitae), Labcorp
Classification: Likely benign for Kabuki syndrome. Last evaluated: 2024-09-05. Review status: criteria provided, single submitter. Criteria: Invitae Variant Classification Sherloc (09022015). Collection method: clinical testing. Allele origin: germline.